The following is an entry in ClinVar:

NM_003848.4(SUCLG2):c.13G>A (p.Val5Ile)

Gene: SUCLG2 (succinate-CoA ligase GDP-forming subunit beta; minus strand). Cytogenetic location: 3p14.1.
Variant type: single nucleotide variant.
Coding change: c.13G>A on transcript NM_003848.4 (MANE Select); coding-DNA position 13, G replaced by A.
Protein change: p.Val5Ile; replaces valine 5 with isoleucine.
Molecular consequence: missense variant.
Genome position (GRCh38, 1-based): chr3:67,654,574, C>T on the plus strand (G>A on the coding strand, the complement: SUCLG2 is on the minus strand). VCF-style: chr3-67654574-C-T. GRCh37 (hg19) VCF-style: chr3-67704998-C-T.
Other names: c.13G>A, p.Val5Ile (NM_001177599.2); short protein forms V5I.
Identifiers: ClinVar variation 3685226 (VCV003685226.2).

ClinVar aggregate classification (germline): Uncertain significance (1 of 4 stars; one submission).

gnomAD v4.1: 2 of 1,274,138 alleles (0.00016%); highest among the groups gnomAD compares: Non-Finnish European, 0.000099%; no homozygotes.

Submission:

Labcorp Genetics (formerly Invitae), Labcorp
Classification: Uncertain significance. Last evaluated: 2024-02-15. Review status: criteria provided, single submitter. Criteria: Invitae Variant Classification Sherloc (09022015). Collection method: clinical testing. Allele origin: germline.
Comment: This sequence change replaces valine, which is neutral and non-polar, with isoleucine, which is neutral and non-polar, at codon 5 of the SUCLG2 protein (p.Val5Ile). This variant is not present in population databases (gnomAD no frequency). This variant has not been reported in the literature in individuals affected with SUCLG2-related conditions. An algorithm developed to predict the effect of missense changes on protein structure and function (PolyPhen-2) suggests that this variant is likely to be tolerated. In summary, the available evidence is currently insufficient to determine the role of this variant in disease. Therefore, it has been classified as a Variant of Uncertain Significance.